The following is an entry in ClinVar:

NM_000256.3(MYBPC3):c.2752G>T (p.Ala918Ser)

Gene: MYBPC3 (myosin binding protein C3; minus strand). Cytogenetic location: 11p11.2.
Variant type: single nucleotide variant.
Coding change: c.2752G>T on transcript NM_000256.3 (MANE Select); coding-DNA position 2752, G replaced by T.
Protein change: p.Ala918Ser; replaces alanine 918 with serine.
Molecular consequence: missense variant.
Genome position (GRCh38, 1-based): chr11:47,335,195, C>A on the plus strand (G>T on the coding strand, the complement: MYBPC3 is on the minus strand). VCF-style: chr11-47335195-C-A. GRCh37 (hg19) VCF-style: chr11-47356746-C-A.
Other names: c.2752G>T, p.Ala918Ser (LRG_386t1); short protein forms A918S.
Identifiers: ClinVar variation 579122 (VCV000579122.9), dbSNP rs1565624211, ClinGen allele CA380316790.

ClinVar aggregate classification (germline): Uncertain significance. Review status: criteria provided, multiple submitters, no conflicts (2 of 4 stars). 2 submissions from 2 submitters: Uncertain significance (2). Last evaluated 2026-09-08.

Conditions:
Hypertrophic cardiomyopathy. Also called: HYPERTROPHIC MYOCARDIOPATHY. Identifiers: Orphanet 217569, MedGen C0007194, MeSH D002312, MONDO:0005045, HP:0001639.
Cardiovascular phenotype. Identifiers: MedGen CN230736.

Submissions (2):

Ambry Genetics
Classification: Uncertain significance for Cardiovascular phenotype. Last evaluated: 2026-09-08. Review status: criteria provided, single submitter. Criteria: Ambry Variant Classification Scheme 2023. Collection method: clinical testing. Allele origin: germline.
Comment: The p.A918S variant (also known as c.2752G>T), located in coding exon 27 of the MYBPC3 gene, results from a G to T substitution at nucleotide position 2752. The alanine at codon 918 is replaced by serine, an amino acid with similar properties. This amino acid position is poorly conserved in available vertebrate species. In addition, this alteration is predicted to be tolerated by in silico analysis. Based on the available evidence, the clinical significance of this variant remains unclear.

Labcorp Genetics (formerly Invitae), Labcorp
Classification: Uncertain significance for Hypertrophic cardiomyopathy. Last evaluated: 2018-03-08. Review status: criteria provided, single submitter. Criteria: Invitae Variant Classification Sherloc (09022015). Collection method: clinical testing. Allele origin: germline.
Comment: A computational algorithm designed to assess the pathogenicity of variants in MYBPC3 with regard to hypertrophic cardiomyopathy predicted this sequence change to be tolerated. The algorithm has a sensitivity of 94% and a specificity of 89% (PMID: 21310275). This sequence change replaces alanine with serine at codon 918 of the MYBPC3 protein (p.Ala918Ser). The alanine residue is weakly conserved and there is a moderate physicochemical difference between alanine and serine. This variant is not present in population databases (ExAC no frequency). In summary, the available evidence is currently insufficient to determine the role of this variant in disease. Therefore, it has been classified as a Variant of Uncertain Significance. Algorithms developed to predict the effect of missense changes on protein structure and function output the following: SIFT: "Tolerated"; PolyPhen-2: "Benign"; Align-GVGD: "Class C0". The serine amino acid residue is found in multiple mammalian species, suggesting that this missense change does not adversely affect protein function. These predictions have not been confirmed by published functional studies and their clinical significance is uncertain. This variant has not been reported in the literature in individuals with MYBPC3-related disease.

Literature cited by the submitters: PubMed 21310275 (cited by Labcorp Genetics (formerly Invitae), Labcorp).